The following is an entry in ClinVar:

ClinVar aggregate classification (germline): Uncertain significance. Review status: criteria provided, multiple submitters, no conflicts (2 of 4 stars). 2 submissions from 2 submitters: Uncertain significance (2). Last evaluated 2025-08-07.

Conditions:
Oligodontia-cancer predisposition syndrome. Also called: TOOTH AGENESIS-COLORECTAL CANCER SYNDROME. Identifiers: Orphanet 300576, MedGen C1837750, MONDO:0012075, OMIM 608615. Disease mechanism: loss of function.
Hereditary cancer-predisposing syndrome. Also called: Tumor predisposition; Hereditary neoplastic syndrome; Hereditary Cancer Syndrome; Neoplastic Syndromes, Hereditary. Identifiers: Orphanet 140162, MedGen C0027672, MeSH D009386, MONDO:0015356.

Submissions (2):

Labcorp Genetics (formerly Invitae), Labcorp
Classification: Uncertain significance for Oligodontia-cancer predisposition syndrome. Last evaluated: 2025-08-07. Review status: criteria provided, single submitter. Criteria: Invitae Variant Classification Sherloc (09022015). Collection method: clinical testing. Allele origin: germline.
Comment: This variant, c.1163_1165dup, results in the insertion of 1 amino acid(s) of the AXIN2 protein (p.Arg388dup), but otherwise preserves the integrity of the reading frame. This variant is not present in population databases (gnomAD no frequency). This variant has not been reported in the literature in individuals affected with AXIN2-related conditions. ClinVar contains an entry for this variant (Variation ID: 577356). Experimental studies and prediction algorithms are not available or were not evaluated, and the functional significance of this variant is currently unknown. In summary, the available evidence is currently insufficient to determine the role of this variant in disease. Therefore, it has been classified as a Variant of Uncertain Significance.

Ambry Genetics
Classification: Uncertain significance for Hereditary cancer-predisposing syndrome. Last evaluated: 2025-01-23. Review status: criteria provided, single submitter. Criteria: Ambry Variant Classification Scheme 2023. Collection method: clinical testing. Allele origin: germline.
Comment: The c.1163_1165dupGCC variant (also known as p.R388dup) is located in coding exon 4 of the AXIN2 gene. This variant results from an in-frame duplication of 3 nucleotides at positions 1163 to 1165. This results in the duplication of an arginine residue at codon 388. This amino acid position is well conserved in available vertebrate species. In addition, this alteration is predicted to be deleterious by in silico analysis (Choi Y et al. PLoS ONE. 2012; 7(10):e46688). Based on the available evidence, the clinical significance of this variant remains unclear.

NM_004655.4(AXIN2):c.1160GCC[3] (p.Arg388dup)

Gene: AXIN2 (axin 2; minus strand). Cytogenetic location: 17q24.1.
Variant type: Microsatellite.
Coding change: c.1160GCC[3] on transcript NM_004655.4 (MANE Select); three copies in a row of the 3-base unit GCC starting at c.1160; the reference has two copies in a row; one copy, 3 bases duplicated.
Protein change: p.Arg388dup; duplicates arginine 388.
Molecular consequence: inframe insertion.
Genome position (GRCh38, 1-based): chr17:65,538,238-65,538,240, GGC duplicated on the plus strand (GCC on the coding strand, the reverse complement: AXIN2 is on the minus strand); duplicating any 3 consecutive bases within chr17:65,538,238-65,538,243 gives the same sequence; the position shown is the placement nearest the transcript's 3' end. VCF-style (leftmost placement, unchanged base first): chr17-65538237-T-TGGC. GRCh37 (hg19) VCF-style: chr17-63534355-T-TGGC.
Other names: c.1160GCC[3], p.Arg388dup (NM_001363813.1).
Identifiers: ClinVar variation 577356 (VCV000577356.15), dbSNP rs1567757373, ClinGen allele CA891844419.
Genomic context (GRCh38, chr17:65,538,237, plus strand): 5'-CAGGAAGAAGGCCTAGGCCGCATTACCTCTCGGATCTGCTGCAGGCGCTCCTCCAGGCTG[T>TGGC]GGCGGCTCTCCAACTCCAGCTTCAGCTTTTCCAGCCTCGAGATCAGCTCAGCTGCAAAGG-3'